The following is an entry in ClinVar:

ClinVar aggregate classification (germline): Likely pathogenic (1 of 4 stars; one submission).

Conditions:
Hypertrophic cardiomyopathy 26. Also called: Cardiomyopathy, familial hypertrophic, 26. Identifiers: Orphanet 75249, MedGen C4310749, MONDO:0014883, OMIM 617047.
Myofibrillar myopathy 5. Also called: Filaminopathy (type); FILAMINOPATHY, AUTOSOMAL DOMINANT. Identifiers: Orphanet 171445, MedGen C1836050, MONDO:0012289, OMIM 609524.
Distal myopathy with posterior leg and anterior hand involvement. Also called: WILLIAMS DISTAL MYOPATHY. Identifiers: Orphanet 63273, MedGen C3279722, MONDO:0013550, OMIM 614065.

Allele frequency attached by ClinVar (database versions not stated): gnomAD exomes below 0.00001; gnomAD 0.00001.
gnomAD v4.1: 2 of 1,600,998 alleles (0.00012%); highest among the groups gnomAD compares: Non-Finnish European, 0.00017%; no homozygotes.

Submission:

Labcorp Genetics (formerly Invitae), Labcorp
Classification: Likely pathogenic for Distal myopathy with posterior leg and anterior hand involvement; Myofibrillar myopathy 5; Hypertrophic cardiomyopathy 26. Last evaluated: 2023-06-21. Review status: criteria provided, single submitter. Criteria: Invitae Variant Classification Sherloc (09022015). Collection method: clinical testing. Allele origin: germline.
Comment: This sequence change affects a donor splice site in intron 23 of the FLNC gene. It is expected to disrupt RNA splicing. Variants that disrupt the donor or acceptor splice site typically lead to a loss of protein function (PMID: 16199547), and loss-of-function variants in FLNC are known to be pathogenic (PMID: 27908349). This variant is present in population databases (no rsID available, gnomAD 0.007%). This variant has not been reported in the literature in individuals affected with FLNC-related conditions. In summary, the currently available evidence indicates that the variant is pathogenic, but additional data are needed to prove that conclusively. Therefore, this variant has been classified as Likely Pathogenic.

Literature cited by the submitters: PubMed 16199547; PubMed 27908349.

NM_001458.5(FLNC):c.4127+1G>A

Gene: FLNC (filamin C; plus strand). Cytogenetic location: 7q32.1.
Variant type: single nucleotide variant.
Coding change: c.4127+1G>A on transcript NM_001458.5 (MANE Select); the canonical splice donor site of the intron after coding-DNA position 4127, G replaced by A.
Molecular consequence: splice donor variant.
Genome position (GRCh38, 1-based): chr7:128,846,464, G>A. VCF-style: chr7-128846464-G-A. GRCh37 (hg19) VCF-style: chr7-128486518-G-A.
Other names: c.4127+1G>A (NM_001127487.2).
Identifiers: ClinVar variation 2949075 (VCV002949075.3), dbSNP rs1346981294, ClinGen allele CA369199192.
Genomic context (GRCh38, chr7:128,846,464, plus strand): 5'-CGGGCCAGGCCTGGAGGGTGGCTTGGTCAACAAGGCCAACCGATTCACTGTGGAGACCAG[G>A]TATCCTCCCCCTTTGCTAGCCTAAATCTGTGACCACCCTTTCCCAGCCCCTGGCCCTCCT-3'